The following is an entry in ClinVar:

ClinVar aggregate classification (germline): Uncertain significance (1 of 4 stars; one submission).

gnomAD v4.1: 1 of 1,612,176 alleles (0.000062%); highest among the groups gnomAD compares: Non-Finnish European, 0.000085%; no homozygotes.

Submission:

GeneDx
Classification: Uncertain significance. Last evaluated: 2025-07-15. Review status: criteria provided, single submitter. Criteria: GeneDx Variant Classification Process June 2021. Collection method: clinical testing. Allele origin: germline. Affected: yes.
Comment: Not observed at significant frequency in large population cohorts (gnomAD); In silico analysis supports that this missense variant has a deleterious effect on protein structure/function; Has not been previously published as pathogenic or benign to our knowledge

NM_001385012.1(NBEA):c.1720T>C (p.Phe574Leu)

Gene: NBEA (neurobeachin; plus strand). Cytogenetic location: 13q13.3.
Variant type: single nucleotide variant.
Coding change: c.1720T>C on transcript NM_001385012.1 (MANE Select); coding-DNA position 1720, T replaced by C.
Protein change: p.Phe574Leu; replaces phenylalanine 574 with leucine.
Molecular consequence: missense variant.
Genome position (GRCh38, 1-based): chr13:35,109,329, T>C. VCF-style: chr13-35109329-T-C. GRCh37 (hg19) VCF-style: chr13-35683466-T-C.
Other names: c.1720T>C, p.Phe574Leu (NM_001379245.1, NM_015678.5); short protein forms F574L.
Identifiers: ClinVar variation 4686356 (VCV004686356.1).
Genomic context (GRCh38, chr13:35,109,329, plus strand): 5'-AATTTCTGTTTTCTTTCTTAGTCATCAAGAGTTCATATAACTAGAGCTGTCCTGGAGCAA[T>C]TTTTATCTTTTGCAAAATACCTTGATGGTTTATCTCATGGAGCACCTTTGCTGAAGCAGC-3'
Protein context (NP_001371941.1, residues 564-584): VHITRAVLEQ[Phe574Leu]LSFAKYLDGL